The following is an entry in ClinVar:

NM_001001671.4(MAP3K15):c.1139A>G (p.Asp380Gly)

Gene: MAP3K15 (mitogen-activated protein kinase kinase kinase 15; minus strand). Cytogenetic location: Xp22.12.
Variant type: single nucleotide variant.
Coding change: c.1139A>G on transcript NM_001001671.4 (MANE Select); coding-DNA position 1139, A replaced by G.
Protein change: p.Asp380Gly; replaces aspartic acid 380 with glycine.
Molecular consequence: missense variant.
Genome position (GRCh38, 1-based): chrX:19,431,465, T>C on the plus strand (A>G on the coding strand, the complement: MAP3K15 is on the minus strand). VCF-style: chrX-19431465-T-C. GRCh37 (hg19) VCF-style: chrX-19449583-T-C.
Other names: short protein forms D380G.
Identifiers: ClinVar variation 2377446 (VCV002377446.26), dbSNP rs373969675, ClinGen allele CA10364153.

ClinVar aggregate classification (germline): Conflicting classifications of pathogenicity. Review status: criteria provided, conflicting classifications (1 of 4 stars). 2 submissions from 2 submitters: Uncertain significance (1); Likely benign (1). Last evaluated 2022-07-01.

Allele frequency attached by ClinVar (database versions not stated): TOPMed 0.00003; ExAC 0.00004; gnomAD 0.00005; ESP Exome Variant Server 0.00012.
gnomAD v4.1: 44 of 1,198,375 alleles (0.0037%); highest among the groups gnomAD compares: Middle Eastern, 0.046%; no homozygotes.

Submissions (2):

CeGaT Center for Human Genetics Tuebingen
Classification: Likely benign. Last evaluated: 2022-07-01. Review status: criteria provided, single submitter. Criteria: CeGaT Center For Human Genetics Tuebingen Variant Classification Criteria Version 2. Collection method: clinical testing. Allele origin: germline. Affected: yes. Observed: 1 variant allele.
Comment: MAP3K15: BP4

Ambry Genetics
Classification: Uncertain significance. Last evaluated: 2021-08-02. Review status: criteria provided, single submitter. Criteria: Ambry Variant Classification Scheme 2023. Collection method: clinical testing. Allele origin: germline.